The following is an entry in ClinVar:

NM_015650.4(TRAF3IP1):c.1489G>A (p.Glu497Lys)

Gene: TRAF3IP1 (TRAF3 interacting protein 1; plus strand). Cytogenetic location: 2q37.3.
Variant type: single nucleotide variant.
Coding change: c.1489G>A on transcript NM_015650.4 (MANE Select); coding-DNA position 1489, G replaced by A.
Protein change: p.Glu497Lys; replaces glutamic acid 497 with lysine.
Molecular consequence: missense variant.
Genome position (GRCh38, 1-based): chr2:238,352,864, G>A. VCF-style: chr2-238352864-G-A. GRCh37 (hg19) VCF-style: chr2-239261505-G-A.
Other names: c.1291G>A, p.Glu431Lys (NM_001139490.1); short protein forms E497K, E431K.
Identifiers: ClinVar variation 968396 (VCV000968396.7), dbSNP rs749867416, ClinGen allele CA67957746.

ClinVar aggregate classification (germline): Uncertain significance. Review status: criteria provided, multiple submitters, no conflicts (2 of 4 stars). 2 submissions from 2 submitters: Uncertain significance (2). Last evaluated 2022-08-16.

Allele frequency attached by ClinVar (database versions not stated): gnomAD exomes 0.00002 and 0.00003; gnomAD 0.00003 and 0.00004; TOPMed 0.00003.
gnomAD v4.1: 45 of 1,613,364 alleles (0.0028%); highest among the groups gnomAD compares: Non-Finnish European, 0.0035%; no homozygotes.

Submissions (2):

Labcorp Genetics (formerly Invitae), Labcorp
Classification: Uncertain significance. Last evaluated: 2022-08-16. Review status: criteria provided, single submitter. Criteria: Invitae Variant Classification Sherloc (09022015). Collection method: clinical testing. Allele origin: germline.
Comment: This sequence change replaces glutamic acid, which is acidic and polar, with lysine, which is basic and polar, at codon 497 of the TRAF3IP1 protein (p.Glu497Lys). This variant is present in population databases (rs749867416, gnomAD 0.005%). This variant has not been reported in the literature in individuals affected with TRAF3IP1-related conditions. ClinVar contains an entry for this variant (Variation ID: 968396). Algorithms developed to predict the effect of missense changes on protein structure and function are either unavailable or do not agree on the potential impact of this missense change (SIFT: "Tolerated"; PolyPhen-2: "Possibly Damaging"; Align-GVGD: "Class C0"). Algorithms developed to predict the effect of sequence changes on RNA splicing suggest that this variant may disrupt the consensus splice site. In summary, the available evidence is currently insufficient to determine the role of this variant in disease. Therefore, it has been classified as a Variant of Uncertain Significance.

Breakthrough Genomics
Classification: Uncertain significance. Review status: criteria provided, single submitter. Criteria: ACMG Guidelines, 2015. Collection method: not provided. Allele origin: germline. Inheritance: Autosomal recessive inheritance. Affected: yes.